The following is an entry in ClinVar:

ClinVar aggregate classification (germline): Uncertain significance (1 of 4 stars; one submission).

Allele frequency attached by ClinVar (database versions not stated): gnomAD 0.00001; TOPMed 0.00003; ExAC 0.00004; ESP Exome Variant Server 0.00015.

Submission:

Labcorp Genetics (formerly Invitae), Labcorp
Classification: Uncertain significance. Last evaluated: 2024-11-05. Review status: criteria provided, single submitter. Criteria: Invitae Variant Classification Sherloc (09022015). Collection method: clinical testing. Allele origin: germline.
Comment: This sequence change replaces valine, which is neutral and non-polar, with leucine, which is neutral and non-polar, at codon 19 of the SCP2 protein (p.Val19Leu). The frequency data for this variant in the population databases is considered unreliable, as metrics indicate poor data quality at this position in the gnomAD database. This variant has not been reported in the literature in individuals affected with SCP2-related conditions. ClinVar contains an entry for this variant (Variation ID: 839307). An algorithm developed to predict the effect of missense changes on protein structure and function (PolyPhen-2) suggests that this variant¬†is likely to be tolerated. In summary, the available evidence is currently insufficient to determine the role of this variant in disease. Therefore, it has been classified as a Variant of Uncertain Significance.

NM_002979.5(SCP2):c.55G>C (p.Val19Leu)

Gene: SCP2 (sterol carrier protein 2; plus strand). Cytogenetic location: 1p32.3.
Variant type: single nucleotide variant.
Coding change: c.55G>C on transcript NM_002979.5 (MANE Select); coding-DNA position 55, G replaced by C.
Protein change: p.Val19Leu; replaces valine 19 with leucine.
Molecular consequence: missense variant. On other transcripts: 5 prime UTR variant (1).
Genome position (GRCh38, 1-based): chr1:52,927,451, G>C. VCF-style: chr1-52927451-G-C. GRCh37 (hg19) VCF-style: chr1-53393123-G-C.
Other names: c.55G>C, p.Val19Leu (NM_001007098.3, NM_001193599.2, NM_001193600.2 and 1 more transcripts); c.-131G>C (NM_001193617.2); short protein forms V19L.
Identifiers: ClinVar variation 839307 (VCV000839307.8), dbSNP rs140387282, ClinGen allele CA856985.